The following is an entry in ClinVar:

NM_032271.3(TRAF7):c.1621A>G (p.Ile541Val)

Gene: TRAF7 (TNF receptor associated factor 7; plus strand). Cytogenetic location: 16p13.3.
Variant type: single nucleotide variant.
Coding change: c.1621A>G on transcript NM_032271.3 (MANE Select); coding-DNA position 1621, A replaced by G.
Protein change: p.Ile541Val; replaces isoleucine 541 with valine.
Molecular consequence: missense variant.
Genome position (GRCh38, 1-based): chr16:2,175,617, A>G. VCF-style: chr16-2175617-A-G. GRCh37 (hg19) VCF-style: chr16-2225618-A-G.
Other names: short protein forms I541V.
Identifiers: ClinVar variation 2502764 (VCV002502764.1), dbSNP rs2141295475, ClinGen allele CA394333690.
Genomic context (GRCh38, chr16:2,175,617, plus strand): 5'-CACTGGGTGCGGGCCCTGGTGGCTGCCCAGAGCTACCTGTACAGCGGCTCCTACCAGACA[A>G]TCAAGGTGCGCTTGGGCACACCTGGTGGCCACAGGGCCTTGCCTCCTACCAGCACTTCCC-3'
Protein context (NP_115647.2, residues 531-551): SYLYSGSYQT[Ile541Val]KIWDIRTLDC

ClinVar aggregate classification (germline): Uncertain significance (1 of 4 stars; one submission).

Submission:

GeneDx
Classification: Uncertain significance. Last evaluated: 2022-11-18. Review status: criteria provided, single submitter. Criteria: GeneDx Variant Classification Process June 2021. Collection method: clinical testing. Allele origin: germline. Affected: yes.
Comment: Not observed at significant frequency in large population cohorts (gnomAD); In silico analysis supports that this missense variant does not alter protein structure/function; Has not been previously published as pathogenic or benign to our knowledge